The following is an entry in ClinVar:

NM_152416.4(NDUFAF6):c.725C>T (p.Ser242Leu)

Gene: NDUFAF6 (NADH:ubiquinone oxidoreductase complex assembly factor 6; plus strand). Cytogenetic location: 8q22.1.
Variant type: single nucleotide variant.
Coding change: c.725C>T on transcript NM_152416.4 (MANE Select); coding-DNA position 725, C replaced by T.
Protein change: p.Ser242Leu; replaces serine 242 with leucine.
Molecular consequence: missense variant. On other transcripts: non-coding transcript variant (6).
Genome position (GRCh38, 1-based): chr8:95,048,467, C>T. VCF-style: chr8-95048467-C-T. GRCh37 (hg19) VCF-style: chr8-96060695-C-T.
Other names: c.449C>T, p.Ser150Leu (NM_001330582.2, NM_001354514.2, NM_001354515.2 and 1 more transcripts); c.569C>T, p.Ser190Leu (NM_001354516.2); c.392C>T, p.Ser131Leu (NM_001354517.2, NM_001354518.2, NM_001354519.2 and 1 more transcripts); c.269C>T, p.Ser90Leu (NM_001354522.2, NM_001354524.2, NM_001354525.2 and 7 more transcripts); short protein forms S190L, S150L, S242L, S131L, S90L.
Identifiers: ClinVar variation 1503695 (VCV001503695.4), dbSNP rs753297390, ClinGen allele CA4814894.

ClinVar aggregate classification (germline): Uncertain significance (1 of 4 stars; one submission).

Allele frequency attached by ClinVar (database versions not stated): gnomAD 0.00001; TOPMed 0.00002.
gnomAD v4.1: 17 of 1,613,102 alleles (0.0011%); highest among the groups gnomAD compares: Admixed American, 0.027%; no homozygotes.

Submission:

Labcorp Genetics (formerly Invitae), Labcorp
Classification: Uncertain significance. Last evaluated: 2021-12-03. Review status: criteria provided, single submitter. Criteria: Invitae Variant Classification Sherloc (09022015). Collection method: clinical testing. Allele origin: germline.
Comment: This sequence change replaces serine, which is neutral and polar, with leucine, which is neutral and non-polar, at codon 242 of the NDUFAF6 protein (p.Ser242Leu). This variant is present in population databases (rs753297390, gnomAD 0.03%). This variant has not been reported in the literature in individuals affected with NDUFAF6-related conditions. Algorithms developed to predict the effect of missense changes on protein structure and function are either unavailable or do not agree on the potential impact of this missense change (SIFT: "Deleterious"; PolyPhen-2: "Probably Damaging"; Align-GVGD: "Class C0"). In summary, the available evidence is currently insufficient to determine the role of this variant in disease. Therefore, it has been classified as a Variant of Uncertain Significance.